The following is an entry in ClinVar:

ClinVar aggregate classification (germline): Likely benign. Review status: criteria provided, multiple submitters, no conflicts (2 of 4 stars). 3 submissions from 3 submitters: Likely benign (2). 1 of the submissions does not count toward it. Last evaluated 2025-12-02.

Conditions:
MYO18B-related disorder. Also called: MYO18B-related condition.

Allele frequency attached by ClinVar (database versions not stated): ExAC 0.00001; TOPMed 0.00001; gnomAD exomes 0.00002; gnomAD 0.00003.
gnomAD v4.1: 39 of 1,604,266 alleles (0.0024%); highest among the groups gnomAD compares: Middle Eastern, 0.034%; no homozygotes.

Submissions (3):

Labcorp Genetics (formerly Invitae), Labcorp
Classification: Likely benign. Last evaluated: 2025-12-02. Review status: criteria provided, single submitter. Criteria: Invitae Variant Classification Sherloc (09022015). Collection method: clinical testing. Allele origin: germline.

Blueprint Genetics
Classification: Likely benign. Last evaluated: 2024-10-16. Review status: criteria provided, single submitter. Criteria: ACMG Guidelines, 2015. Collection method: clinical testing. Allele origin: germline.

PreventionGenetics, part of Exact Sciences
Classification: Likely benign for MYO18B-related condition. Last evaluated: 2024-04-29. Review status: no assertion criteria provided. Collection method: clinical testing. Allele origin: germline. Not counted in ClinVar's aggregate classification.
Comment: This variant is classified as likely benign based on ACMG/AMP sequence variant interpretation guidelines (Richards et al. 2015 PMID: 25741868, with internal and published modifications).

NM_032608.7(MYO18B):c.5094T>C (p.Leu1698=)

Gene: MYO18B (myosin XVIIIB; plus strand). Cytogenetic location: 22q12.1.
Variant type: single nucleotide variant.
Coding change: c.5094T>C on transcript NM_032608.7 (MANE Select); coding-DNA position 5094, T replaced by C.
Protein change: p.Leu1698=; no amino-acid change (leucine 1698 retained).
Molecular consequence: synonymous variant.
Genome position (GRCh38, 1-based): chr22:25,903,777, T>C. VCF-style: chr22-25903777-T-C. GRCh37 (hg19) VCF-style: chr22-26299744-T-C.
Other names: c.5094T>C (NM_032608.6); c.5097T>C, p.Leu1699= (NM_001318245.2).
Identifiers: ClinVar variation 2184109 (VCV002184109.6), dbSNP rs756669633, ClinGen allele CA10161066.
Genomic context (GRCh38, chr22:25,903,777, plus strand): 5'-GGGGGAAAATTGCGTTGCTGGCTTGAAGGAGAGGCTCTGGAAGTTGGAATCCAGCGCCCT[T>C]GAGCAACAGAAAATCCAGAGCCAGCAGGAAAACACCATCAAGCAGCTGGAGCAGGTAGGA-3'
Protein context (NP_115997.5, residues 1688-1708): ERLWKLESSA[Leu1698=]EQQKIQSQQE